The following is an entry in ClinVar:

NM_004006.3(DMD):c.1950T>A (p.Cys650Ter)

Gene: DMD (dystrophin; minus strand). Cytogenetic location: Xp21.1.
Variant type: single nucleotide variant.
Coding change: c.1950T>A on transcript NM_004006.3 (MANE Select); coding-DNA position 1950, T replaced by A.
Protein change: p.Cys650Ter; replaces cysteine 650 with a stop codon.
Molecular consequence: nonsense.
Genome position (GRCh38, 1-based): chrX:32,565,744, A>T on the plus strand (T>A on the coding strand, the complement: DMD is on the minus strand). VCF-style: chrX-32565744-A-T. GRCh37 (hg19) VCF-style: chrX-32583861-A-T.
Other names: c.1926T>A, p.Cys642Ter (NM_000109.4); c.1938T>A, p.Cys646Ter (NM_004009.3); c.1581T>A, p.Cys527Ter (NM_004010.3); short protein forms C527*, C642*, C646*, C650*.
Identifiers: ClinVar variation 4293327 (VCV004293327.1).

ClinVar aggregate classification (germline): Likely pathogenic (1 of 4 stars; one submission).

Conditions:
Duchenne muscular dystrophy (DMD). Also called: MUSCULAR DYSTROPHY, PSEUDOHYPERTROPHIC PROGRESSIVE, DUCHENNE TYPE; Duchenne Muscular Dystrophy (DMD). Identifiers: Orphanet 98896, MedGen C0013264, MONDO:0010679, OMIM 310200.

Submission:

3billion
Classification: Likely pathogenic for Duchenne muscular dystrophy. Last evaluated: 2024-07-23. Review status: criteria provided, single submitter. Criteria: ACMG Guidelines, 2015. Collection method: clinical testing. Allele origin: germline. Affected: yes.
Comment: The variant is not observed in the gnomAD v4.0.0 dataset. Predicted Consequence/Location: Stop-gained (nonsense): predicted to result in a loss or disruption of normal protein function through nonsense-mediated decay (NMD) or protein truncation. Multiple pathogenic variants are reported downstream of the variant. Therefore, this variant is classified as Likely pathogenic according to the recommendation of ACMG/AMP guideline.